The following is an entry in ClinVar:

NM_030957.4(ADAMTS10):c.850G>C (p.Val284Leu)

Gene: ADAMTS10 (ADAM metallopeptidase with thrombospondin type 1 motif 10; minus strand). Cytogenetic location: 19p13.2.
Variant type: single nucleotide variant.
Coding change: c.850G>C on transcript NM_030957.4 (MANE Select); coding-DNA position 850, G replaced by C.
Protein change: p.Val284Leu; replaces valine 284 with leucine.
Molecular consequence: missense variant.
Genome position (GRCh38, 1-based): chr19:8,597,278, C>G on the plus strand (G>C on the coding strand, the complement: ADAMTS10 is on the minus strand). VCF-style: chr19-8597278-C-G. GRCh37 (hg19) VCF-style: chr19-8662162-C-G.
Other names: short protein forms V284L.
Identifiers: ClinVar variation 1950503 (VCV001950503.3), dbSNP rs782526067, ClinGen allele CA403756310.
Genomic context (GRCh38, chr19:8,597,278, plus strand): 5'-AGGAAGTCCCCCGCACCTGGTCCTCCGTGAGCAGGATGAGGCGAGTTACGAGGATGTTAA[C>G]GGTGCTTCCCAGACTCGAGTCCTGGAAAAGTTTGGCAACCTGACCTCCAAGAAACAAGAG-3'
Protein context (NP_112219.3, residues 274-294): LFQDSSLGST[Val284Leu]NILVTRLILL

ClinVar aggregate classification (germline): Uncertain significance (1 of 4 stars; one submission).

gnomAD v4.1: 10 of 1,614,116 alleles (0.00062%); highest among the groups gnomAD compares: Non-Finnish European, 0.00085%; no homozygotes.

Submission:

Labcorp Genetics (formerly Invitae), Labcorp
Classification: Uncertain significance. Last evaluated: 2022-07-03. Review status: criteria provided, single submitter. Criteria: Invitae Variant Classification Sherloc (09022015). Collection method: clinical testing. Allele origin: germline.
Comment: In summary, the available evidence is currently insufficient to determine the role of this variant in disease. Therefore, it has been classified as a Variant of Uncertain Significance. Algorithms developed to predict the effect of missense changes on protein structure and function are either unavailable or do not agree on the potential impact of this missense change (SIFT: "Deleterious"; PolyPhen-2: "Benign"; Align-GVGD: "Class C25"). This variant has not been reported in the literature in individuals affected with ADAMTS10-related conditions. This variant is not present in population databases (gnomAD no frequency). This sequence change replaces valine, which is neutral and non-polar, with leucine, which is neutral and non-polar, at codon 284 of the ADAMTS10 protein (p.Val284Leu).